The following is an entry in ClinVar:

NM_001267550.2(TTN):c.5404dup (p.Glu1802fs)

Gene: TTN (titin; minus strand). Cytogenetic location: 2q31.2.
Variant type: Duplication.
Coding change: c.5404dup on transcript NM_001267550.2 (MANE Select); coding-DNA position 5404, one base duplicated (G; older notation c.5404dupG).
Protein change: p.Glu1802fs; shifts the reading frame from glutamic acid 1802.
Molecular consequence: frameshift variant.
Genome position (GRCh38, 1-based): chr2:178,776,460, C duplicated on the plus strand (G on the coding strand, the reverse complement: TTN is on the minus strand); the first of 2 consecutive C bases (chr2:178,776,460-178,776,461); duplicating either gives the same sequence. VCF-style (leftmost placement, unchanged base first): chr2-178776459-T-TC. GRCh37 (hg19) VCF-style: chr2-179641186-T-TC.
Other names: c.5404dup, p.Glu1802fs (NM_001256850.1, NM_133378.4, NM_133379.5); c.5266dup, p.Glu1756fs (NM_003319.4, NM_133432.3, NM_133437.4); c.5266dupG (NM_003319.4); c.5404dup (NM_001267550.1); short protein forms E1756fs, E1802fs.
Identifiers: ClinVar variation 1746467 (VCV001746467.4), dbSNP rs2532874523, ClinGen allele CA2580065254.

ClinVar aggregate classification (germline): Conflicting classifications of pathogenicity. Review status: criteria provided, conflicting classifications (1 of 4 stars). 2 submissions from 2 submitters: Likely pathogenic (1); Uncertain significance (1). Last evaluated 2025-03-04.

Conditions:
Cardiovascular phenotype. Identifiers: MedGen CN230736.

Submissions (2):

Ambry Genetics
Classification: Likely pathogenic for Cardiovascular phenotype. Last evaluated: 2025-03-04. Review status: criteria provided, single submitter. Criteria: Ambry Variant Classification Scheme 2023. Collection method: clinical testing. Allele origin: germline.
Comment: The c.5266dupG variant, located in coding exon 26 of the TTN gene, results from a duplication of G at nucleotide position 5266, causing a translational frameshift with a predicted alternate stop codon (p.E1756Gfs*7). This exon is located in the near Z-disk/I-band region of the N2-B isoform of the titin protein and is constitutively expressed in TTN transcripts (percent spliced in or PSI 100%). This variant is considered to be rare based on population cohorts in the Genome Aggregation Database (gnomAD). This variant is expected to result in loss of function by premature protein truncation or nonsense-mediated mRNA decay. While truncating variants in TTN are present in 1-3% of the general population, truncating variants in the A-band are the most common cause of dilated cardiomyopathy (Herman DS et al. N. Engl. J. Med., 2012 Feb;366:619-28; Roberts AM et al. Sci Transl Med, 2015 Jan;7:270ra6). TTN truncating variants encoded in constitutive exons (PSI >90%) have been found to be significantly associated with DCM regardless of their position in titin (Schafer S et al. Nat. Genet., 2017 01;49:46-53; Akhtar MM et al. Circ Heart Fail, 2020 Oct;13:e006832; Massier M et al. Clin Genet, 2025 Jan). Based on the majority of available evidence to date, this variant is likely to be pathogenic.

GeneDx
Classification: Uncertain significance. Last evaluated: 2024-03-07. Review status: criteria provided, single submitter. Criteria: GeneDx Variant Classification Process June 2021. Collection method: clinical testing. Allele origin: germline. Affected: yes.
Comment: Not observed at significant frequency in large population cohorts (gnomAD); Frameshift variant predicted to result in protein truncation or nonsense mediated decay in a gene for which loss of function is a known mechanism of disease; Has not been previously published as pathogenic or benign to our knowledge